The following is an entry in ClinVar:

ClinVar aggregate classification (germline): Uncertain significance (1 of 4 stars; one submission).

Allele frequency attached by ClinVar (database versions not stated): ExAC 0.00004; gnomAD 0.00004; gnomAD exomes 0.00006; TOPMed 0.00006; ESP Exome Variant Server 0.00008; 1000 Genomes Project 30x 0.00016; 1000 Genomes Project 0.00020.
gnomAD v4.1: 101 of 1,614,122 alleles (0.0063%); highest among the groups gnomAD compares: Non-Finnish European, 0.0075%; no homozygotes.

Submission:

Labcorp Genetics (formerly Invitae), Labcorp
Classification: Uncertain significance. Last evaluated: 2025-05-09. Review status: criteria provided, single submitter. Criteria: Invitae Variant Classification Sherloc (09022015). Collection method: clinical testing. Allele origin: germline.
Comment: This sequence change replaces arginine, which is basic and polar, with glutamine, which is neutral and polar, at codon 281 of the LIPC protein (p.Arg281Gln). This variant is present in population databases (rs200613217, gnomAD 0.01%). This missense change has been observed in individual(s) with dyslipidemia (PMID: 29084231). ClinVar contains an entry for this variant (Variation ID: 2184878). Invitae Evidence Modeling of protein sequence and biophysical properties (such as structural, functional, and spatial information, amino acid conservation, physicochemical variation, residue mobility, and thermodynamic stability) indicates that this missense variant is expected to disrupt LIPC protein function with a positive predictive value of 80%. In summary, the available evidence is currently insufficient to determine the role of this variant in disease. Therefore, it has been classified as a Variant of Uncertain Significance.

Literature cited by the submitters: PubMed 29084231.

NM_000236.3(LIPC):c.842G>A (p.Arg281Gln)

Gene: LIPC (lipase C, hepatic type; plus strand). Cytogenetic location: 15q21.3.
Variant type: single nucleotide variant.
Coding change: c.842G>A on transcript NM_000236.3 (MANE Select); coding-DNA position 842, G replaced by A.
Protein change: p.Arg281Gln; replaces arginine 281 with glutamine.
Molecular consequence: missense variant.
Genome position (GRCh38, 1-based): chr15:58,548,363, G>A. VCF-style: chr15-58548363-G-A. GRCh37 (hg19) VCF-style: chr15-58840562-G-A.
Other names: short protein forms R281Q.
Identifiers: ClinVar variation 2184878 (VCV002184878.4), dbSNP rs200613217, ClinGen allele CA7585020.